The following is an entry in ClinVar:

NM_000362.5(TIMP3):c.499G>T (p.Asp167Tyr)

Genes: SYN3 (synapsin III; minus strand), TIMP3 (TIMP metallopeptidase inhibitor 3; plus strand). Cytogenetic location: 22q12.3.
Variant type: single nucleotide variant.
Coding change: c.499G>T on transcript NM_000362.5 (MANE Select); coding-DNA position 499, G replaced by T.
Protein change: p.Asp167Tyr; replaces aspartic acid 167 with tyrosine.
Molecular consequence: missense variant. On other transcripts: intron variant (7).
Genome position (GRCh38, 1-based): chr22:32,859,240, G>T. VCF-style: chr22-32859240-G-T. GRCh37 (hg19) VCF-style: chr22-33255227-G-T.
Other names: c.708+5675C>A (NM_001369909.1, NM_001135774.2, NM_001369910.1); c.711+5675C>A (NM_001369907.1, NM_003490.4, NM_001369908.1 and 1 more transcripts); short protein forms D167Y.
Identifiers: ClinVar variation 2009363 (VCV002009363.4), dbSNP rs1042630476, ClinGen allele CA411540259.

ClinVar aggregate classification (germline): Uncertain significance (1 of 4 stars; one submission).

Submission:

Labcorp Genetics (formerly Invitae), Labcorp
Classification: Uncertain significance. Last evaluated: 2022-06-22. Review status: criteria provided, single submitter. Criteria: Invitae Variant Classification Sherloc (09022015). Collection method: clinical testing. Allele origin: germline.
Comment: In summary, the available evidence is currently insufficient to determine the role of this variant in disease. Therefore, it has been classified as a Variant of Uncertain Significance. Algorithms developed to predict the effect of missense changes on protein structure and function are either unavailable or do not agree on the potential impact of this missense change (SIFT: "Tolerated"; PolyPhen-2: "Probably Damaging"; Align-GVGD: "Class C0"). This variant has not been reported in the literature in individuals affected with TIMP3-related conditions. This variant is not present in population databases (gnomAD no frequency). This sequence change replaces aspartic acid, which is acidic and polar, with tyrosine, which is neutral and polar, at codon 167 of the TIMP3 protein (p.Asp167Tyr).